The following is an entry in ClinVar:

NM_016343.4(CENPF):c.3312_3313del (p.Glu1104fs)

Gene: CENPF (centromere protein F; plus strand). Cytogenetic location: 1q41.
Variant type: Microsatellite.
Coding change: c.3312_3313del on transcript NM_016343.4 (MANE Select); coding-DNA positions 3312 to 3313, 2 bases deleted (GA; older notation c.3312_3313delGA).
Protein change: p.Glu1104fs; shifts the reading frame from glutamic acid 1104.
Molecular consequence: frameshift variant.
Genome position (GRCh38, 1-based): chr1:214,641,650-214,641,651, GA deleted; deleting any 2 consecutive bases within chr1:214,641,648-214,641,651 gives the same sequence; the c. name uses the placement nearest the transcript's 3' end. VCF-style (leftmost placement, unchanged base first): chr1-214641647-GGA-G. GRCh37 (hg19) VCF-style: chr1-214814990-GGA-G.
Other names: short protein forms E1104fs.
Identifiers: ClinVar variation 2112678 (VCV002112678.4), dbSNP rs2528400662, ClinGen allele CA2580611540.

ClinVar aggregate classification (germline): Pathogenic (1 of 4 stars; one submission).

Submission:

Labcorp Genetics (formerly Invitae), Labcorp
Classification: Pathogenic. Last evaluated: 2022-03-15. Review status: criteria provided, single submitter. Criteria: Invitae Variant Classification Sherloc (09022015). Collection method: clinical testing. Allele origin: germline.
Comment: This variant is not present in population databases (gnomAD no frequency). This sequence change creates a premature translational stop signal (p.Glu1104Aspfs*9) in the CENPF gene. It is expected to result in an absent or disrupted protein product. Loss-of-function variants in CENPF are known to be pathogenic (PMID: 25564561, 26820108). This variant has not been reported in the literature in individuals affected with CENPF-related conditions. For these reasons, this variant has been classified as Pathogenic.

Literature cited by the submitters: PubMed 25564561; PubMed 26820108.